The following is an entry in ClinVar:

NM_006767.4(LZTR1):c.1998C>G (p.Phe666Leu)

Gene: LZTR1 (leucine zipper like post translational regulator 1; plus strand). Cytogenetic location: 22q11.21.
Variant type: single nucleotide variant.
Coding change: c.1998C>G on transcript NM_006767.4 (MANE Select); coding-DNA position 1998, C replaced by G.
Protein change: p.Phe666Leu; replaces phenylalanine 666 with leucine.
Molecular consequence: missense variant.
Genome position (GRCh38, 1-based): chr22:20,995,801, C>G. VCF-style: chr22-20995801-C-G. GRCh37 (hg19) VCF-style: chr22-21350090-C-G.
Other names: short protein forms F666L.
Identifiers: ClinVar variation 1784088 (VCV001784088.9), dbSNP rs1924816997, ClinGen allele CA410779032.

ClinVar aggregate classification (germline): Uncertain significance. Review status: criteria provided, multiple submitters, no conflicts (2 of 4 stars). 3 submissions from 3 submitters: Uncertain significance (3). Last evaluated 2024-12-31.

Conditions:
Hereditary cancer-predisposing syndrome. Also called: Neoplastic Syndromes, Hereditary; Tumor predisposition; Hereditary Cancer Syndrome; Hereditary neoplastic syndrome. Identifiers: Orphanet 140162, MedGen C0027672, MeSH D009386, MONDO:0015356.
Cardiovascular phenotype. Identifiers: MedGen CN230736.

Allele frequency attached by ClinVar (database versions not stated): gnomAD 0.00001.
gnomAD v4.1: 1 of 1,613,454 alleles (0.000062%); highest among the groups gnomAD compares: African/African-American, 0.0013%; no homozygotes.

Submissions (3):

Ambry Genetics
Classification: Uncertain significance for Cardiovascular phenotype; Hereditary cancer-predisposing syndrome. Last evaluated: 2024-12-31. Review status: criteria provided, single submitter. Criteria: Ambry Variant Classification Scheme 2023. Collection method: clinical testing. Allele origin: germline.

GeneDx
Classification: Uncertain significance. Last evaluated: 2024-10-10. Review status: criteria provided, single submitter. Criteria: GeneDx Variant Classification Process June 2021. Collection method: clinical testing. Allele origin: germline. Affected: yes.
Comment: Not observed at significant frequency in large population cohorts (gnomAD); In silico analysis supports that this missense variant has a deleterious effect on protein structure/function; Has not been previously published as pathogenic or benign to our knowledge

Labcorp Genetics (formerly Invitae), Labcorp
Classification: Uncertain significance. Last evaluated: 2024-03-31. Review status: criteria provided, single submitter. Criteria: Invitae Variant Classification Sherloc (09022015). Collection method: clinical testing. Allele origin: germline.
Comment: This sequence change replaces phenylalanine, which is neutral and non-polar, with leucine, which is neutral and non-polar, at codon 666 of the LZTR1 protein (p.Phe666Leu). This variant is not present in population databases (gnomAD no frequency). This variant has not been reported in the literature in individuals affected with LZTR1-related conditions. ClinVar contains an entry for this variant (Variation ID: 1784088). Advanced modeling of protein sequence and biophysical properties (such as structural, functional, and spatial information, amino acid conservation, physicochemical variation, residue mobility, and thermodynamic stability) performed at Invitae indicates that this missense variant is not expected to disrupt LZTR1 protein function with a negative predictive value of 80%. In summary, the available evidence is currently insufficient to determine the role of this variant in disease. Therefore, it has been classified as a Variant of Uncertain Significance.